The following is an entry in ClinVar:

NM_004104.5(FASN):c.292G>A (p.Asp98Asn)

Gene: FASN (fatty acid synthase; minus strand). Cytogenetic location: 17q25.3.
Variant type: single nucleotide variant.
Coding change: c.292G>A on transcript NM_004104.5 (MANE Select); coding-DNA position 292, G replaced by A.
Protein change: p.Asp98Asn; replaces aspartic acid 98 with asparagine.
Molecular consequence: missense variant.
Genome position (GRCh38, 1-based): chr17:82,093,760, C>T on the plus strand (G>A on the coding strand, the complement: FASN is on the minus strand). VCF-style: chr17-82093760-C-T. GRCh37 (hg19) VCF-style: chr17-80051636-C-T.
Other names: short protein forms D98N.
Identifiers: ClinVar variation 934155 (VCV000934155.9), dbSNP rs1008936868, ClinGen allele CA295140338.

ClinVar aggregate classification (germline): Uncertain significance (1 of 4 stars; one submission).

Conditions:
Epileptic encephalopathy. Identifiers: MedGen C0543888, HP:0200134.

Allele frequency attached by ClinVar (database versions not stated): TOPMed 0.00002.

Submission:

Labcorp Genetics (formerly Invitae), Labcorp
Classification: Uncertain significance for Epileptic encephalopathy. Last evaluated: 2019-09-24. Review status: criteria provided, single submitter. Criteria: Invitae Variant Classification Sherloc (09022015). Collection method: clinical testing. Allele origin: germline.
Comment: Algorithms developed to predict the effect of missense changes on protein structure and function (SIFT, PolyPhen-2, Align-GVGD) all suggest that this variant is likely to be tolerated, but these predictions have not been confirmed by published functional studies and their clinical significance is uncertain. In summary, the available evidence is currently insufficient to determine the role of this variant in disease. Therefore, it has been classified as a Variant of Uncertain Significance. This variant has not been reported in the literature in individuals with FASN-related conditions. This variant is not present in population databases (ExAC no frequency). This sequence change replaces aspartic acid with asparagine at codon 98 of the FASN protein (p.Asp98Asn). The aspartic acid residue is weakly conserved and there is a small physicochemical difference between aspartic acid and asparagine.